The following is an entry in ClinVar:

NM_001278512.2(AP3B2):c.1898C>T (p.Ala633Val)

Genes: AP3B2 (adaptor related protein complex 3 subunit beta 2; minus strand), CPEB1-AS1 (CPEB1 antisense RNA 1; plus strand). Cytogenetic location: 15q25.2.
Variant type: single nucleotide variant.
Coding change: c.1898C>T on transcript NM_001278512.2 (MANE Select); coding-DNA position 1898, C replaced by T.
Protein change: p.Ala633Val; replaces alanine 633 with valine.
Molecular consequence: missense variant.
Genome position (GRCh38, 1-based): chr15:82,665,530, G>A on the plus strand (C>T on the coding strand, the complement: AP3B2 is on the minus strand). VCF-style: chr15-82665530-G-A. GRCh37 (hg19) VCF-style: chr15-83334282-G-A.
Other names: c.1802C>T, p.Ala601Val (NM_001278511.2); c.1898C>T, p.Ala633Val (NM_004644.5); c.1898C>T (NM_004644.3); short protein forms A633V, A601V.
Identifiers: ClinVar variation 1524201 (VCV001524201.4), dbSNP rs374158382, ClinGen allele CA7700090.

ClinVar aggregate classification (germline): Uncertain significance. Review status: criteria provided, multiple submitters, no conflicts (2 of 4 stars). 2 submissions from 2 submitters: Uncertain significance (2). Last evaluated 2024-05-09.

Conditions:
Inborn genetic diseases. Identifiers: MedGen C0950123, MeSH D030342.

Allele frequency attached by ClinVar (database versions not stated): gnomAD exomes 0.00006; ExAC 0.00008; ESP Exome Variant Server 0.00008; 1000 Genomes Project 0.00120; 1000 Genomes Project 30x 0.00156.
gnomAD v4.1: 52 of 1,613,958 alleles (0.0032%); highest among the groups gnomAD compares: African/African-American, 0.063%; no homozygotes.

Submissions (2):

Ambry Genetics
Classification: Uncertain significance for Inborn genetic diseases. Last evaluated: 2024-05-09. Review status: criteria provided, single submitter. Criteria: Ambry Variant Classification Scheme 2023. Collection method: clinical testing. Allele origin: germline.

Labcorp Genetics (formerly Invitae), Labcorp
Classification: Uncertain significance. Last evaluated: 2022-08-21. Review status: criteria provided, single submitter. Criteria: Invitae Variant Classification Sherloc (09022015). Collection method: clinical testing. Allele origin: germline.
Comment: This sequence change replaces alanine, which is neutral and non-polar, with valine, which is neutral and non-polar, at codon 633 of the AP3B2 protein (p.Ala633Val). This variant is present in population databases (rs374158382, gnomAD 0.09%). This variant has not been reported in the literature in individuals affected with AP3B2-related conditions. ClinVar contains an entry for this variant (Variation ID: 1524201). Algorithms developed to predict the effect of missense changes on protein structure and function (SIFT, PolyPhen-2, Align-GVGD) all suggest that this variant is likely to be tolerated. Algorithms developed to predict the effect of sequence changes on RNA splicing suggest that this variant may create or strengthen a splice site. In summary, the available evidence is currently insufficient to determine the role of this variant in disease. Therefore, it has been classified as a Variant of Uncertain Significance.